The following is an entry in ClinVar:

ClinVar aggregate classification (germline): Pathogenic. Review status: criteria provided, single submitter (1 of 4 stars). 2 submissions from 1 submitter: Pathogenic (2). Last evaluated 2020-08-23.

Conditions:
Spongy degeneration of central nervous system. Also called: Canavan disease; Von Bogaert-Bertrand disease; ACY2 DEFICIENCY; AMINOACYLASE 2 DEFICIENCY; ASP DEFICIENCY; ASPA DEFICIENCY. Identifiers: Orphanet 141, MedGen C0206307, MONDO:0010079, OMIM 271900.
Juvenile nephropathic cystinosis. Also called: Intermediate Cystinosis; CYSTINOSIS, LATE-ONSET JUVENILE OR ADOLESCENT NEPHROPATHIC TYPE; Later-Onset (Juvenile) Cystinosis. Identifiers: Orphanet 213, Orphanet 411634, MedGen C0268626, MONDO:0009066, OMIM 219900.
Inborn genetic diseases. Identifiers: MedGen C0950123, MeSH D030342.
Ocular cystinosis. Also called: Non-Nephropathic Cystinosis; Non-Nephropathic (Ocular) Cystinosis. Identifiers: Orphanet 213, Orphanet 411641, MedGen C2931013, MONDO:0009064, OMIM 219750.

Submissions (2):

Labcorp Genetics (formerly Invitae), Labcorp
Classification: Pathogenic for Nephropathic cystinosis; Ocular cystinosis; Juvenile nephropathic cystinosis. Last evaluated: 2020-08-23. Review status: criteria provided, single submitter. Criteria: Invitae Variant Classification Sherloc (09022015). Collection method: clinical testing. Allele origin: germline.
Comment: A gross deletion of the genomic region encompassing the full coding sequence of the CTNS gene has been identified. The boundaries of this event are unknown as the deletion extends beyond the assayed region for this gene and therefore may encompass additional genes. Whole-gene deletions have not been reported in the literature in individuals with CTNS-related disease. Loss-of-function variants in CTNS are known to be pathogenic (PMID: 9537412, 27102039). For these reasons, this variant has been classified as Pathogenic.

Labcorp Genetics (formerly Invitae), Labcorp
Classification: Pathogenic for Spongy degeneration of central nervous system. Last evaluated: 2020-08-23. Review status: criteria provided, single submitter. Criteria: Invitae Variant Classification Sherloc (09022015). Collection method: clinical testing. Allele origin: germline.
Comment: This variant is a gross deletion of the genomic region encompassing exons 4-6 of the ASPA gene. The 5' boundary is likely confined to intron 3. The 3' end of this event is unknown as it extends through the termination codon beyond the assayed region for this gene and may encompass additional genes. While this deletion is not anticipated to result in nonsense mediated decay, it is expected to create a truncated protein product or disrupt mRNA translation. This deletion has not been reported in the literature in individuals with ASPA-related disease. An in-frame deletion of exon 4 has been reported in individuals affected with Canavan disease, and has been determined to be pathogenic (PMID: 10909858, 7668285). This suggests that this exon is critical for ASPA protein function, and that other deletions that disrupt it may also be pathogenic. For these reasons, this variant has been classified as Pathogenic.

Literature cited by the submitters: PubMed 9537412; PubMed 27102039; PubMed 10909858; PubMed 7668285.

NC_000017.10:g.(?_3392519)_(3564038_?)del

Genes: ASPA (aspartoacylase; plus strand), CTNS (cystinosin, lysosomal cystine transporter; plus strand), SHPK (sedoheptulokinase; minus strand), TRPV1 (transient receptor potential cation channel subfamily V member 1; minus strand), TRPV3 (transient receptor potential cation channel subfamily V member 3; minus strand). Cytogenetic location: 17p13.2.
Variant type: Deletion.
Identifiers: ClinVar variation 1069678 (VCV001069678.1).